The following is an entry in ClinVar:

ClinVar aggregate classification (germline): Uncertain significance. Review status: criteria provided, multiple submitters, no conflicts (2 of 4 stars). 2 submissions from 2 submitters: Uncertain significance (2). Last evaluated 2024-02-22.

Conditions:
Tumor predisposition syndrome 3 (TPDS3). Also called: LONG TELOMERE SYNDROME, POT1-RELATED; POT1 Tumor Predisposition; Melanoma, cutaneous malignant, susceptibility to, 10; Glioma susceptibility 9. Identifiers: Orphanet 618, MedGen C4014476, MONDO:0014368, OMIM 615848.
Hereditary cancer-predisposing syndrome. Also called: Hereditary neoplastic syndrome; Neoplastic Syndromes, Hereditary; Tumor predisposition; Hereditary Cancer Syndrome. Identifiers: Orphanet 140162, MedGen C0027672, MeSH D009386, MONDO:0015356.

Submissions (2):

Ambry Genetics
Classification: Uncertain significance for Hereditary cancer-predisposing syndrome. Last evaluated: 2024-02-22. Review status: criteria provided, single submitter. Criteria: Ambry Variant Classification Scheme 2023. Collection method: clinical testing. Allele origin: germline.
Comment: The p.D632V variant (also known as c.1895A>T), located in coding exon 15 of the POT1 gene, results from an A to T substitution at nucleotide position 1895. The aspartic acid at codon 632 is replaced by valine, an amino acid with highly dissimilar properties. This amino acid position is conserved. In addition, the in silico prediction for this alteration is inconclusive. Based on the available evidence, the clinical significance of this alteration remains unclear.

Labcorp Genetics (formerly Invitae), Labcorp
Classification: Uncertain significance for Tumor predisposition syndrome 3. Last evaluated: 2024-02-18. Review status: criteria provided, single submitter. Criteria: Invitae Variant Classification Sherloc (09022015). Collection method: clinical testing. Allele origin: germline.
Comment: This sequence change replaces aspartic acid, which is acidic and polar, with valine, which is neutral and non-polar, at codon 632 of the POT1 protein (p.Asp632Val). This variant is not present in population databases (gnomAD no frequency). This variant has not been reported in the literature in individuals affected with POT1-related conditions. ClinVar contains an entry for this variant (Variation ID: 1959018). An algorithm developed to predict the effect of missense changes on protein structure and function (PolyPhen-2) suggests that this variant is likely to be disruptive. In summary, the available evidence is currently insufficient to determine the role of this variant in disease. Therefore, it has been classified as a Variant of Uncertain Significance.

NM_015450.3(POT1):c.1895A>T (p.Asp632Val)

Gene: POT1 (protection of telomeres 1; minus strand). Cytogenetic location: 7q31.33.
Variant type: single nucleotide variant.
Coding change: c.1895A>T on transcript NM_015450.3 (MANE Select); coding-DNA position 1895, A replaced by T.
Protein change: p.Asp632Val; replaces aspartic acid 632 with valine.
Molecular consequence: missense variant. On other transcripts: non-coding transcript variant (3).
Genome position (GRCh38, 1-based): chr7:124,823,972, T>A on the plus strand (A>T on the coding strand, the complement: POT1 is on the minus strand). VCF-style: chr7-124823972-T-A. GRCh37 (hg19) VCF-style: chr7-124464026-T-A.
Other names: c.1895A>T (NM_015450.2); c.1502A>T, p.Asp501Val (NM_001042594.2); short protein forms D501V, D632V.
Identifiers: ClinVar variation 1959018 (VCV001959018.6), dbSNP rs2485332591, ClinGen allele CA369061064.